The following is an entry in ClinVar:

NM_000077.5(CDKN2A):c.145A>G (p.Ile49Val)

Gene: CDKN2A (cyclin dependent kinase inhibitor 2A; minus strand). Cytogenetic location: 9p21.3.
Variant type: single nucleotide variant.
Coding change: c.145A>G on transcript NM_000077.5; coding-DNA position 145, A replaced by G.
Protein change: p.Ile49Val; replaces isoleucine 49 with valine.
Molecular consequence: missense variant (on NM_000077.6). On other transcripts: intron variant (2).
Genome position (GRCh38, 1-based): chr9:21,974,683, T>C on the plus strand (A>G on the coding strand, the complement: CDKN2A is on the minus strand). VCF-style: chr9-21974683-T-C. GRCh37 (hg19) VCF-style: chr9-21974682-T-C.
Other names: c.145A>G, p.Ile49Val (NM_000077.6, NM_001195132.2, NM_058197.5); c.-3-3475A>G (NM_001363763.2); c.194-3475A>G (NM_058195.4); short protein forms I49V.
Identifiers: ClinVar variation 3489680 (VCV003489680.1).

ClinVar aggregate classification (germline): Uncertain significance (1 of 4 stars; one submission).

Conditions:
Hereditary cancer-predisposing syndrome. Also called: Tumor predisposition; Neoplastic Syndromes, Hereditary; Hereditary Cancer Syndrome; Hereditary neoplastic syndrome. Identifiers: Orphanet 140162, MedGen C0027672, MeSH D009386, MONDO:0015356.

Submission:

Ambry Genetics
Classification: Uncertain significance for Hereditary cancer-predisposing syndrome. Last evaluated: 2024-12-05. Review status: criteria provided, single submitter. Criteria: Ambry Variant Classification Scheme 2023. Collection method: clinical testing. Allele origin: germline.
Comment: The p.I49V variant (also known as c.145A>G), located in coding exon 1 of the CDKN2A gene, results from an A to G substitution at nucleotide position 145. The isoleucine at codon 49 is replaced by valine, an amino acid with highly similar properties. This amino acid position is well conserved in available vertebrate species. In addition, this alteration is predicted to be tolerated by in silico analysis. Based on the available evidence, the clinical significance of this variant remains unclear.